The following is an entry in ClinVar:

ClinVar aggregate classification (germline): Uncertain significance (1 of 4 stars; one submission).

Allele frequency attached by ClinVar (database versions not stated): gnomAD exomes below 0.00001.
gnomAD v4.1: 1 of 1,614,040 alleles (0.000062%); highest among the groups gnomAD compares: Admixed American, 0.0017%; no homozygotes.

Submission:

Labcorp Genetics (formerly Invitae), Labcorp
Classification: Uncertain significance. Last evaluated: 2021-02-16. Review status: criteria provided, single submitter. Criteria: Invitae Variant Classification Sherloc (09022015). Collection method: clinical testing. Allele origin: germline.
Comment: Algorithms developed to predict the effect of missense changes on protein structure and function are either unavailable or do not agree on the potential impact of this missense change (SIFT: "Tolerated"; PolyPhen-2: "Probably Damaging"; Align-GVGD: "Class C0"). This variant has not been reported in the literature in individuals with ADGRA3-related conditions. This variant is not present in population databases (ExAC no frequency). This sequence change replaces valine with alanine at codon 665 of the ADGRA3 protein (p.Val665Ala). The valine residue is highly conserved and there is a small physicochemical difference between valine and alanine. In summary, the available evidence is currently insufficient to determine the role of this variant in disease. Therefore, it has been classified as a Variant of Uncertain Significance.

NM_145290.4(ADGRA3):c.1994T>C (p.Val665Ala)

Gene: ADGRA3 (adhesion G protein-coupled receptor A3; minus strand). Cytogenetic location: 4p15.2.
Variant type: single nucleotide variant.
Coding change: c.1994T>C on transcript NM_145290.4 (MANE Select); coding-DNA position 1994, T replaced by C.
Protein change: p.Val665Ala; replaces valine 665 with alanine.
Molecular consequence: missense variant.
Genome position (GRCh38, 1-based): chr4:22,413,630, A>G on the plus strand (T>C on the coding strand, the complement: ADGRA3 is on the minus strand). VCF-style: chr4-22413630-A-G. GRCh37 (hg19) VCF-style: chr4-22415253-A-G.
Other names: short protein forms V665A.
Identifiers: ClinVar variation 1474461 (VCV001474461.8), dbSNP rs754703389, ClinGen allele CA93511173.